The following is an entry in ClinVar:

ClinVar aggregate classification (germline): Uncertain significance (1 of 4 stars; one submission).

Conditions:
OTOF-related disorder. Also called: OTOF-related condition.

gnomAD v4.1: 17 of 1,610,358 alleles (0.0011%); highest among the groups gnomAD compares: South Asian, 0.0033%; no homozygotes.

Submission:

PreventionGenetics, part of Exact Sciences
Classification: Uncertain significance for OTOF-related condition. Last evaluated: 2026-04-21. Review status: criteria provided, single submitter. Criteria: ACMG Guidelines, 2015. Collection method: clinical testing. Allele origin: germline.
Comment: The OTOF c.2029G>A variant is predicted to result in the amino acid substitution p.Gly677Ser. To our knowledge, this variant has not been reported in the literature. This variant is reported in 0.0033% of alleles in individuals of South Asian descent in gnomAD. At this time, the clinical significance of this variant is uncertain due to the absence of conclusive functional and genetic evidence.

NM_194248.3(OTOF):c.2029G>A (p.Gly677Ser)

Gene: OTOF (otoferlin; minus strand). Cytogenetic location: 2p23.3.
Variant type: single nucleotide variant.
Coding change: c.2029G>A on transcript NM_194248.3 (MANE Select); coding-DNA position 2029, G replaced by A.
Protein change: p.Gly677Ser; replaces glycine 677 with serine.
Molecular consequence: missense variant.
Genome position (GRCh38, 1-based): chr2:26,479,537, C>T on the plus strand (G>A on the coding strand, the complement: OTOF is on the minus strand). VCF-style: chr2-26479537-C-T. GRCh37 (hg19) VCF-style: chr2-26702405-C-T.
Other names: c.2029G>A, p.Gly677Ser (NM_001287489.2); short protein forms G677S.
Identifiers: ClinVar variation 4985069 (VCV004985069.1).